The following is an entry in ClinVar:

ClinVar aggregate classification (germline): Uncertain significance (1 of 4 stars; one submission).

Allele frequency attached by ClinVar (database versions not stated): gnomAD exomes below 0.00001; TOPMed 0.00002; ESP Exome Variant Server 0.00008.

Submission:

Labcorp Genetics (formerly Invitae), Labcorp
Classification: Uncertain significance. Last evaluated: 2020-08-26. Review status: criteria provided, single submitter. Criteria: Invitae Variant Classification Sherloc (09022015). Collection method: clinical testing. Allele origin: germline.
Comment: In summary, the available evidence is currently insufficient to determine the role of this variant in disease. Therefore, it has been classified as a Variant of Uncertain Significance. Algorithms developed to predict the effect of missense changes on protein structure and function are either unavailable or do not agree on the potential impact of this missense change (SIFT: "Deleterious"; PolyPhen-2: "Probably Damaging"; Align-GVGD: "Class C0"). This variant has not been reported in the literature in individuals with PRPF8-related conditions. This variant is not present in population databases (ExAC no frequency). This sequence change replaces arginine with tryptophan at codon 114 of the PRPF8 protein (p.Arg114Trp). The arginine residue is highly conserved and there is a moderate physicochemical difference between arginine and tryptophan.

NM_006445.4(PRPF8):c.340C>T (p.Arg114Trp)

Gene: PRPF8 (pre-mRNA processing factor 8; minus strand). Cytogenetic location: 17p13.3.
Variant type: single nucleotide variant.
Coding change: c.340C>T on transcript NM_006445.4 (MANE Select); coding-DNA position 340, C replaced by T.
Protein change: p.Arg114Trp; replaces arginine 114 with tryptophan.
Molecular consequence: missense variant.
Genome position (GRCh38, 1-based): chr17:1,682,223, G>A on the plus strand (C>T on the coding strand, the complement: PRPF8 is on the minus strand). VCF-style: chr17-1682223-G-A. GRCh37 (hg19) VCF-style: chr17-1585517-G-A.
Other names: short protein forms R114W.
Identifiers: ClinVar variation 1007735 (VCV001007735.5), dbSNP rs146929391, ClinGen allele CA286817104.